The following is an entry in ClinVar:

NM_000271.5(NPC1):c.1371T>A (p.Tyr457Ter)

Gene: NPC1 (NPC intracellular cholesterol transporter 1; minus strand). Cytogenetic location: 18q11.2.
Variant type: single nucleotide variant.
Coding change: c.1371T>A on transcript NM_000271.5 (MANE Select); coding-DNA position 1371, T replaced by A.
Protein change: p.Tyr457Ter; replaces tyrosine 457 with a stop codon.
Molecular consequence: nonsense.
Genome position (GRCh38, 1-based): chr18:23,554,940, A>T on the plus strand (T>A on the coding strand, the complement: NPC1 is on the minus strand). VCF-style: chr18-23554940-A-T. GRCh37 (hg19) VCF-style: chr18-21134904-A-T.
Other names: short protein forms Y457*.
Identifiers: ClinVar variation 1725132 (VCV001725132.2), dbSNP rs779065920, ClinGen allele CA401776489.
Genomic context (GRCh38, chr18:23,554,940, plus strand): 5'-CGTGTTATACGGTGAAAGAGGGGCCAAGCAGATGTCTTGAAGTGTCACAGTCTCATTGTC[A>T]TAAGAGGCAGTAATGTTTTCGATGGCTATTTGTAAGTCAAGAACCTGAAAGAAGATTTTA-3'

ClinVar aggregate classification (germline): Likely pathogenic (1 of 4 stars; one submission).

Conditions:
Niemann-Pick disease, type C1. Also called: NEUROVISCERAL STORAGE DISEASE WITH VERTICAL SUPRANUCLEAR OPHTHALMOPLEGIA; NIEMANN-PICK DISEASE WITH CHOLESTEROL ESTERIFICATION BLOCK; NIEMANN-PICK DISEASE WITHOUT SPHINGOMYELINASE DEFICIENCY; NIEMANN-PICK DISEASE, CHRONIC NEURONOPATHIC FORM; NIEMANN-PICK DISEASE, VARIANT TYPE C1. Identifiers: Orphanet 646, MedGen C3179455, MONDO:0009757, OMIM 257220.

Submission:

Myriad Genetics, Inc.
Classification: Likely pathogenic for Niemann-Pick disease, type C1. Last evaluated: 2022-03-08. Review status: criteria provided, single submitter. Criteria: Myriad Women's Health Autosomal Recessive and X-Linked Classification Criteria (2021). Collection method: clinical testing. Allele origin: unknown.
Comment: NM_000271.4(NPC1):c.1371T>A(Y457*) is expected to be pathogenic in the context of Niemann-Pick disease type C1. This variant is predicted to lead to an abnormal or absent protein product due to the creation of a premature termination codon in NPC1, a gene where loss-of-function variants are known to be pathogenic. Please note: this variant was assessed in the context of healthy population screening.